The following is an entry in ClinVar:

NM_001384732.1(CPLANE1):c.8287G>A (p.Glu2763Lys)

Gene: CPLANE1 (ciliogenesis and planar polarity effector complex subunit 1; minus strand). Cytogenetic location: 5p13.2.
Variant type: single nucleotide variant.
Coding change: c.8287G>A on transcript NM_001384732.1 (MANE Select); coding-DNA position 8287, G replaced by A.
Protein change: p.Glu2763Lys; replaces glutamic acid 2763 with lysine.
Molecular consequence: missense variant.
Genome position (GRCh38, 1-based): chr5:37,153,826, C>T on the plus strand (G>A on the coding strand, the complement: CPLANE1 is on the minus strand). VCF-style: chr5-37153826-C-T. GRCh37 (hg19) VCF-style: chr5-37153928-C-T.
Other names: c.8125G>A, p.Glu2709Lys (NM_023073.4); short protein forms E2709K, E2763K.
Identifiers: ClinVar variation 470165 (VCV000470165.47), dbSNP rs200612080, ClinGen allele CA3237833.
Genomic context (GRCh38, chr5:37,153,826, plus strand): 5'-CAGGCTTGGGGAAATCCTGTTCTATGTTTTCAGCAATGTTCTGTATTGCTAGCAACTGCT[C>T]GTCAATTTTCTGAAGCTTAGCACTGAGATGCTCTAGTTGGTGAGCTGCAGAGCTTGGTGC-3'
Protein context (NP_001371661.1, residues 2753-2773): HLSAKLQKID[Glu2763Lys]QLLAIQNIAE

ClinVar aggregate classification (germline): Uncertain significance. Review status: criteria provided, multiple submitters, no conflicts (2 of 4 stars). 3 submissions from 3 submitters: Uncertain significance (3). Last evaluated 2024-01-15.

Allele frequency attached by ClinVar (database versions not stated): gnomAD 0.00004 and 0.00006; ExAC 0.00006; gnomAD exomes 0.00008; TOPMed 0.00008; 1000 Genomes Project 30x 0.00031; 1000 Genomes Project 0.00040.
gnomAD v4.1: 129 of 1,614,058 alleles (0.008%); highest among the groups gnomAD compares: Middle Eastern, 0.066%; no homozygotes.

Submissions (3):

Labcorp Genetics (formerly Invitae), Labcorp
Classification: Uncertain significance. Last evaluated: 2024-01-15. Review status: criteria provided, single submitter. Criteria: Invitae Variant Classification Sherloc (09022015). Collection method: clinical testing. Allele origin: germline.
Comment: This sequence change replaces glutamic acid, which is acidic and polar, with lysine, which is basic and polar, at codon 2709 of the CPLANE1 protein (p.Glu2709Lys). This variant is present in population databases (rs200612080, gnomAD 0.02%). This variant has not been reported in the literature in individuals affected with CPLANE1-related conditions. ClinVar contains an entry for this variant (Variation ID: 470165). Advanced modeling of protein sequence and biophysical properties (such as structural, functional, and spatial information, amino acid conservation, physicochemical variation, residue mobility, and thermodynamic stability) performed at Invitae indicates that this missense variant is not expected to disrupt CPLANE1 protein function with a negative predictive value of 95%. In summary, the available evidence is currently insufficient to determine the role of this variant in disease. Therefore, it has been classified as a Variant of Uncertain Significance.

GeneDx
Classification: Uncertain significance. Last evaluated: 2022-07-27. Review status: criteria provided, single submitter. Criteria: GeneDx Variant Classification Process June 2021. Collection method: clinical testing. Allele origin: germline. Affected: yes.
Comment: In silico analysis supports that this missense variant does not alter protein structure/function; Has not been previously published as pathogenic or benign to our knowledge

CeGaT Center for Human Genetics Tuebingen
Classification: Uncertain significance. Last evaluated: 2018-12-01. Review status: criteria provided, single submitter. Criteria: CeGaT Center For Human Genetics Tuebingen Variant Classification Criteria Version 2. Collection method: clinical testing. Allele origin: germline. Affected: yes. Observed: 1 variant allele.